The following is an entry in ClinVar:

ClinVar aggregate classification (germline): Conflicting classifications of pathogenicity. Review status: criteria provided, conflicting classifications (1 of 4 stars). 2 submissions from 2 submitters: Uncertain significance (1); Likely benign (1). Last evaluated 2025-08-07.

Conditions:
Hereditary cancer-predisposing syndrome. Also called: Tumor predisposition; Hereditary neoplastic syndrome; Neoplastic Syndromes, Hereditary; Hereditary Cancer Syndrome. Identifiers: Orphanet 140162, MedGen C0027672, MeSH D009386, MONDO:0015356.

Submissions (2):

Labcorp Genetics (formerly Invitae), Labcorp
Classification: Uncertain significance. Last evaluated: 2025-08-07. Review status: criteria provided, single submitter. Criteria: Invitae Variant Classification Sherloc (09022015). Collection method: clinical testing. Allele origin: germline.
Comment: This sequence change replaces glutamic acid, which is acidic and polar, with lysine, which is basic and polar, at codon 18 of the POLE protein (p.Glu18Lys). This variant is not present in population databases (gnomAD no frequency). This variant has not been reported in the literature in individuals affected with POLE-related conditions. ClinVar contains an entry for this variant (Variation ID: 855749). An algorithm developed to predict the effect of missense changes on protein structure and function (PolyPhen-2) suggests that this variant is likely to be tolerated. In summary, the available evidence is currently insufficient to determine the role of this variant in disease. Therefore, it has been classified as a Variant of Uncertain Significance.

Ambry Genetics
Classification: Likely benign for Hereditary cancer-predisposing syndrome. Last evaluated: 2025-06-06. Review status: criteria provided, single submitter. Criteria: Ambry Variant Classification Scheme 2023. Collection method: clinical testing. Allele origin: germline.

NM_006231.4(POLE):c.52G>A (p.Glu18Lys)

Genes: POLE (DNA polymerase epsilon, catalytic subunit; minus strand), LOC130009266 (ATAC-STARR-seq lymphoblastoid silent region 5123; plus strand). Cytogenetic location: 12q24.33.
Variant type: single nucleotide variant.
Coding change: c.52G>A on transcript NM_006231.4 (MANE Select); coding-DNA position 52, G replaced by A.
Protein change: p.Glu18Lys; replaces glutamic acid 18 with lysine.
Molecular consequence: missense variant.
Genome position (GRCh38, 1-based): chr12:132,687,264, C>T on the plus strand (G>A on the coding strand, the complement: POLE is on the minus strand). VCF-style: chr12-132687264-C-T. GRCh37 (hg19) VCF-style: chr12-133263850-C-T.
Other names: c.52G>A (NM_006231.2); short protein forms E18K.
Identifiers: ClinVar variation 855749 (VCV000855749.13), dbSNP rs1555231403, ClinGen allele CA387373333.
Genomic context (GRCh38, chr12:132,687,264, plus strand): 5'-TGGCACCCTCCGGAGGGCCGGCCCGAGAGCCTCAGGAGGGCGCCCCTCACCTGCTGGCCT[C>T]GCCATCCGCGCCTGGGTCCGCGCGCCGCCGCCCGCCGCTCCTCAGAGACATGGAGCCGTT-3'
Protein context (NP_006222.2, residues 8-28): RRRADPGADG[Glu18Lys]ASRDDGATSS